The following is an entry in ClinVar:

ClinVar aggregate classification (germline): Uncertain significance (1 of 4 stars; one submission).

Conditions:
Hereditary cancer-predisposing syndrome. Also called: Hereditary Cancer Syndrome; Neoplastic Syndromes, Hereditary; Tumor predisposition; Hereditary neoplastic syndrome. Identifiers: Orphanet 140162, MedGen C0027672, MeSH D009386, MONDO:0015356.

Submission:

Ambry Genetics
Classification: Uncertain significance for Hereditary cancer-predisposing syndrome. Last evaluated: 2026-07-15. Review status: criteria provided, single submitter. Criteria: Ambry Variant Classification Scheme 2023. Collection method: clinical testing. Allele origin: germline.
Comment: The p.E194Q variant (also known as c.580G>C), located in coding exon 5 of the DICER1 gene, results from a G to C substitution at nucleotide position 580. The glutamic acid at codon 194 is replaced by glutamine, an amino acid with highly similar properties. This amino acid position is conserved. In addition, this alteration is predicted to be tolerated by in silico analysis. Based on the available evidence, the clinical significance of this variant remains unclear.

NM_177438.3(DICER1):c.580G>C (p.Glu194Gln)

Gene: DICER1 (dicer 1, ribonuclease III; minus strand). Cytogenetic location: 14q32.13.
Variant type: single nucleotide variant.
Coding change: c.580G>C on transcript NM_177438.3 (MANE Select); coding-DNA position 580, G replaced by C.
Protein change: p.Glu194Gln; replaces glutamic acid 194 with glutamine.
Molecular consequence: missense variant. On other transcripts: 5 prime UTR variant (1), non-coding transcript variant (6).
Genome position (GRCh38, 1-based): chr14:95,129,626, C>G on the plus strand (G>C on the coding strand, the complement: DICER1 is on the minus strand). VCF-style: chr14-95129626-C-G. GRCh37 (hg19) VCF-style: chr14-95595963-C-G.
Other names: c.580G>C, p.Glu194Gln (NM_001395680.1, NM_001395682.1, NM_001395683.1 and 14 more transcripts); c.298G>C, p.Glu100Gln (NM_001395686.1); c.175G>C, p.Glu59Gln (NM_001395687.1, NM_001395688.1, NM_001395689.1 and 3 more transcripts); c.13G>C, p.Glu5Gln (NM_001395691.1); c.-989G>C (NM_001395697.1); short protein forms E194Q, E59Q, E100Q, E5Q.
Identifiers: ClinVar variation 5035294 (VCV005035294.1).
Genomic context (GRCh38, chr14:95,129,626, plus strand): 5'-ATTTCCCATTTAAAATGGAAGCAGTTAGTCCCAAAATGCGAGGACATGATGGACAATTTT[C>G]ACAGAGCTAACATAATAAAAGATACTGACAGTAAAGACTTCATTTTGCAAGGCTATAACA-3'
Protein context (NP_803187.1, residues 184-204): HPYREIMKLC[Glu194Gln]NCPSCPRILG